The following is an entry in ClinVar:

NM_005898.5(CAPRIN1):c.647A>T (p.Asp216Val)

Gene: CAPRIN1 (cell cycle associated protein 1; plus strand). Cytogenetic location: 11p13.
Variant type: single nucleotide variant.
Coding change: c.647A>T on transcript NM_005898.5 (MANE Select); coding-DNA position 647, A replaced by T.
Protein change: p.Asp216Val; replaces aspartic acid 216 with valine.
Molecular consequence: missense variant.
Genome position (GRCh38, 1-based): chr11:34,076,601, A>T. VCF-style: chr11-34076601-A-T. GRCh37 (hg19) VCF-style: chr11-34098148-A-T.
Other names: c.647A>T, p.Asp216Val (NM_203364.3); short protein forms D216V.
Identifiers: ClinVar variation 4839766 (VCV004839766.1).
Genomic context (GRCh38, chr11:34,076,601, plus strand): 5'-AGCTATTTACTATTAAAAGGTTGAATGAACAGTATGAACATGCCTCCATTCACCTGTGGG[A>T]CCTGCTGGAAGGGAAGGAAAAACCTGTATGTGGAACCACCTGTGAGTATCACTGTGATAA-3'
Protein context (NP_005889.3, residues 206-226): QYEHASIHLW[Asp216Val]LLEGKEKPVC

ClinVar aggregate classification (germline): Uncertain significance (1 of 4 stars; one submission).

gnomAD v4.1: 2 of 1,614,026 alleles (0.00012%); highest among the groups gnomAD compares: Non-Finnish European, 0.00017%; no homozygotes.

Submission:

Ambry Genetics
Classification: Uncertain significance. Last evaluated: 2026-01-26. Review status: criteria provided, single submitter. Criteria: Ambry Variant Classification Scheme 2023. Collection method: clinical testing. Allele origin: germline.
Comment: The c.647A>T (p.D216V) alteration is located in exon 6 (coding exon 5) of the CAPRIN1 gene. This alteration results from a A to T substitution at nucleotide position 647, causing the aspartic acid (D) at amino acid position 216 to be replaced by a valine (V). Based on data from gnomAD, the T allele has an overall frequency of <0.001% (1/251422) total alleles studied. The highest observed frequency was 0.001% (1/113730) of European (non-Finnish) alleles. Based on insufficient or conflicting evidence, the clinical significance of this alteration remains unclear.